The following is an entry in ClinVar:

NM_000238.4(KCNH2):c.3090_3102del (p.Arg1032fs)

Gene: KCNH2 (potassium voltage-gated channel subfamily H member 2; minus strand). Cytogenetic location: 7q36.1.
Variant type: Deletion.
Coding change: c.3090_3102del on transcript NM_000238.4 (MANE Select); coding-DNA positions 3090 to 3102, 13 bases deleted (GGGTCGGCGGCCC).
Protein change: p.Arg1032fs; shifts the reading frame from arginine 1032.
Molecular consequence: frameshift variant.
Genome position (GRCh38, 1-based): chr7:150,947,378-150,947,390, GGGCCGCCGACCC deleted on the plus strand (GGGTCGGCGGCCC on the coding strand, the reverse complement: KCNH2 is on the minus strand); deleting any 13 consecutive bases within chr7:150,947,378-150,947,394 gives the same sequence; the c. name uses the placement nearest the transcript's 3' end. VCF-style (leftmost placement, unchanged base first): chr7-150947377-GGGGCCGCCGACCC-G. GRCh37 (hg19) VCF-style: chr7-150644465-GGGGCCGCCGACCC-G.
Other names: c.3090_3102delGGGTCGGCGGCCC (NM_000238.3); c.2070_2082del, p.Arg692fs (NM_172057.3); short protein forms R1032fs, R692fs.
Identifiers: ClinVar variation 519327 (VCV000519327.13), dbSNP rs1554424070, ClinGen allele CA658760375.
Genomic context (GRCh38, chr7:150,947,377, plus strand): 5'-CACTCCCTCACCTGTTGAGCTGGCGCTGGAGGGCATCCAGCCTGCTCTCCACGTCGCCCC[GGGGCCGCCGACCC>G]GGGCTGGAGAGGGGGATGTTGAGGAGGCTGGGGGTGGGGGCGGGGCATCGAGGGAGCTCC-3'

ClinVar aggregate classification (germline): Pathogenic. Review status: criteria provided, multiple submitters, no conflicts (2 of 4 stars). 3 submissions from 3 submitters: Pathogenic (3). Last evaluated 2024-05-01.

Conditions:
Cardiovascular phenotype. Identifiers: MedGen CN230736.
Long QT syndrome (LQTS). Identifiers: MedGen C0023976, MeSH D008133, MONDO:0002442. Disease mechanism: loss of function. Inheritance: Various modes of inheritance.
KCNH2-related disorder. Also called: KCNH2-related disorders; KCNH2-related condition.

Submissions (3):

Labcorp Genetics (formerly Invitae), Labcorp
Classification: Pathogenic for Long QT syndrome. Last evaluated: 2024-05-01. Review status: criteria provided, single submitter. Criteria: Invitae Variant Classification Sherloc (09022015). Collection method: clinical testing. Allele origin: germline.
Comment: This sequence change creates a premature translational stop signal (p.Arg1032Alafs*21) in the KCNH2 gene. It is expected to result in an absent or disrupted protein product. Loss-of-function variants in KCNH2 are known to be pathogenic (PMID: 10973849, 19862833). This variant is not present in population databases (gnomAD no frequency). This premature translational stop signal has been observed in individual(s) with long QT syndrome (PMID: 16922724, 19926013). ClinVar contains an entry for this variant (Variation ID: 519327). For these reasons, this variant has been classified as Pathogenic.

Ambry Genetics
Classification: Pathogenic for Cardiovascular phenotype. Last evaluated: 2022-03-03. Review status: criteria provided, single submitter. Criteria: Ambry Variant Classification Scheme 2023. Collection method: clinical testing. Allele origin: germline.
Comment: The c.3090_3102del13 pathogenic mutation, located in coding exon 13 of the KCNH2 gene, results from a deletion of 13 nucleotides at nucleotide positions 3090 to 3102, causing a translational frameshift with a predicted alternate stop codon (p.R1032Afs*21). This alteration (also referred to as R1032fsX1052 and c.3090-3102del) has been previously reported in association with long QT syndrome (Shimizu W et al. J Am Coll Cardiol. 2009;54:2052-62; Christiansen M et al. BMC Med Genet. 2014;15:31). This variant is considered to be rare based on population cohorts in the Genome Aggregation Database (gnomAD). In addition to the clinical data presented in the literature, this alteration is expected to result in loss of function by premature protein truncation or nonsense-mediated mRNA decay. As such, this alteration is interpreted as a disease-causing mutation.

Blueprint Genetics
Classification: Pathogenic for KCNH2-related disorders. Last evaluated: 2020-12-15. Review status: criteria provided, single submitter. Criteria: ACMG Guidelines, 2015. Collection method: clinical testing. Allele origin: germline. Affected: yes. Observed: 2 variant alleles.

Literature cited by the submitters: PubMed 10973849 (cited by Labcorp Genetics (formerly Invitae), Labcorp); PubMed 19862833 (cited by Labcorp Genetics (formerly Invitae), Labcorp); PubMed 16922724 (cited by Labcorp Genetics (formerly Invitae), Labcorp); PubMed 19926013 (cited by Labcorp Genetics (formerly Invitae), Labcorp and Ambry Genetics); PubMed 24606995 (cited by Ambry Genetics).